The following is an entry in ClinVar:

ClinVar aggregate classification (germline): Pathogenic (1 of 4 stars; one submission).

Conditions:
Hereditary cancer-predisposing syndrome. Also called: Neoplastic Syndromes, Hereditary; Tumor predisposition; Hereditary Cancer Syndrome; Hereditary neoplastic syndrome. Identifiers: Orphanet 140162, MedGen C0027672, MeSH D009386, MONDO:0015356.

Submission:

Ambry Genetics
Classification: Pathogenic for Hereditary cancer-predisposing syndrome. Last evaluated: 2019-06-27. Review status: criteria provided, single submitter. Criteria: Ambry Variant Classification Scheme 2023. Collection method: clinical testing. Allele origin: germline.
Comment: The c.2180dupA pathogenic mutation, located in coding exon 13 of the PMS2 gene, results from a duplication of A at nucleotide position 2180, causing a translational frameshift with a predicted alternate stop codon (p.T728Dfs*8). This alteration is expected to result in loss of function by premature protein truncation or nonsense-mediated mRNA decay. As such, this alteration is interpreted as a disease-causing mutation.

NM_000535.7(PMS2):c.2180dup (p.Thr728fs)

Gene: PMS2 (PMS1 homolog 2, mismatch repair system component; minus strand). Cytogenetic location: 7p22.1.
Variant type: Duplication.
Coding change: c.2180dup on transcript NM_000535.7 (MANE Select); coding-DNA position 2180, one base duplicated (A; older notation c.2180dupA).
Protein change: p.Thr728fs; shifts the reading frame from threonine 728.
Molecular consequence: frameshift variant. On other transcripts: non-coding transcript variant (1).
Genome position (GRCh38, 1-based): chr7:5,978,691, T duplicated on the plus strand (A on the coding strand, the reverse complement: PMS2 is on the minus strand). VCF-style (leftmost placement, unchanged base first): chr7-5978690-C-CT. GRCh37 (hg19) VCF-style: chr7-6018321-C-CT.
Other names: c.1775dup, p.Thr593fs (NM_001322003.2, NM_001322004.2, NM_001322005.2 and 1 more transcripts); c.2024dup, p.Thr676fs (NM_001322006.2); c.1862dup, p.Thr622fs (NM_001322007.2, NM_001322008.2); c.1619dup, p.Thr541fs (NM_001322010.2); c.1247dup, p.Thr417fs (NM_001322011.2, NM_001322012.2); c.1607dup, p.Thr537fs (NM_001322013.2); c.2180dup, p.Thr728fs (NM_001322014.2); c.1871dup, p.Thr625fs (NM_001322015.2); short protein forms T417fs, T541fs, T593fs, T728fs, T537fs, T622fs, T625fs, T676fs.
Identifiers: ClinVar variation 820854 (VCV000820854.4), dbSNP rs1583286301, ClinGen allele CA915944857.